The following is an entry in ClinVar:

ClinVar aggregate classification (germline): Uncertain significance (1 of 4 stars; one submission).

Conditions:
Familial temporal lobe epilepsy 7. Identifiers: Orphanet 101046, MedGen C4225327, MONDO:0014639, OMIM 616436.
Norman-Roberts syndrome (LIS2). Also called: Lissencephaly 2 (Norman-Roberts type). Identifiers: Orphanet 89844, MedGen C0796089, MONDO:0009760, OMIM 257320.

Submission:

Labcorp Genetics (formerly Invitae), Labcorp
Classification: Uncertain significance for Familial temporal lobe epilepsy 7; Norman-Roberts syndrome. Last evaluated: 2024-09-23. Review status: criteria provided, single submitter. Criteria: Invitae Variant Classification Sherloc (09022015). Collection method: clinical testing. Allele origin: germline.
Comment: This sequence change replaces lysine, which is basic and polar, with glutamine, which is neutral and polar, at codon 1093 of the RELN protein (p.Lys1093Gln). This variant is not present in population databases (gnomAD no frequency). This variant has not been reported in the literature in individuals affected with RELN-related conditions. ClinVar contains an entry for this variant (Variation ID: 1715570). Invitae Evidence Modeling of protein sequence and biophysical properties (such as structural, functional, and spatial information, amino acid conservation, physicochemical variation, residue mobility, and thermodynamic stability) indicates that this missense variant is not expected to disrupt RELN protein function with a negative predictive value of 80%. In summary, the available evidence is currently insufficient to determine the role of this variant in disease. Therefore, it has been classified as a Variant of Uncertain Significance.

NM_005045.4(RELN):c.3277A>C (p.Lys1093Gln)

Gene: RELN (reelin; minus strand). Cytogenetic location: 7q22.1.
Variant type: single nucleotide variant.
Coding change: c.3277A>C on transcript NM_005045.4 (MANE Select); coding-DNA position 3277, A replaced by C.
Protein change: p.Lys1093Gln; replaces lysine 1093 with glutamine.
Molecular consequence: missense variant.
Genome position (GRCh38, 1-based): chr7:103,603,360, T>G on the plus strand (A>C on the coding strand, the complement: RELN is on the minus strand). VCF-style: chr7-103603360-T-G. GRCh37 (hg19) VCF-style: chr7-103243807-T-G.
Other names: c.3277A>C, p.Lys1093Gln (NM_173054.3); short protein forms K1093Q.
Identifiers: ClinVar variation 1715570 (VCV001715570.5), dbSNP rs2484735073, ClinGen allele CA368762957.
Genomic context (GRCh38, chr7:103,603,360, plus strand): 5'-ATACCTTGCTGAAGTACAGAGATGATCCAGAAGAGATGACACCACACCCTTGTTCTGGTT[T>G]TACAATTTCTCCCCCAATAACTTCTTGCCAGTCAGACTCCCAGCCATTCTGGTTCTCAAA-3'
Protein context (NP_005036.2, residues 1083-1103): WQEVIGGEIV[Lys1093Gln]PEQGCGVISS